The following is an entry in ClinVar:

NM_002907.4(RECQL):c.242A>T (p.Asp81Val)

Gene: RECQL (RecQ like helicase; minus strand). Cytogenetic location: 12p12.1.
Variant type: single nucleotide variant.
Coding change: c.242A>T on transcript NM_002907.4 (MANE Select); coding-DNA position 242, A replaced by T.
Protein change: p.Asp81Val; replaces aspartic acid 81 with valine.
Molecular consequence: missense variant.
Genome position (GRCh38, 1-based): chr12:21,490,351, T>A on the plus strand (A>T on the coding strand, the complement: RECQL is on the minus strand). VCF-style: chr12-21490351-T-A. GRCh37 (hg19) VCF-style: chr12-21643285-T-A.
Other names: c.242A>T, p.Asp81Val (NM_032941.3); c.242A>T (NM_002907.3); short protein forms D81V.
Identifiers: ClinVar variation 3574540 (VCV003574540.2).

ClinVar aggregate classification (germline): Uncertain significance. Review status: criteria provided, multiple submitters, no conflicts (2 of 4 stars). 2 submissions from 2 submitters: Uncertain significance (2). Last evaluated 2025-01-06.

Conditions:
RECON progeroid syndrome (RECON). Identifiers: MedGen C5830504, MONDO:0957266, OMIM 620370.

Submissions (2):

Ambry Genetics
Classification: Uncertain significance. Last evaluated: 2025-01-06. Review status: criteria provided, single submitter. Criteria: Ambry Variant Classification Scheme 2023. Collection method: clinical testing. Allele origin: germline.
Comment: The p.D81V variant (also known as c.242A>T), located in coding exon 3 of the RECQL gene, results from an A to T substitution at nucleotide position 242. The aspartic acid at codon 81 is replaced by valine, an amino acid with highly dissimilar properties. This amino acid position is conserved. In addition, the in silico prediction for this alteration is inconclusive. Based on the available evidence, the clinical significance of this variant remains unclear.

Fulgent Genetics
Classification: Uncertain significance for RECON progeroid syndrome. Last evaluated: 2024-04-10. Review status: criteria provided, single submitter. Criteria: ACMG Guidelines, 2015. Collection method: clinical testing. Allele origin: germline.